The following is an entry in ClinVar:

Conditions:
Breast-ovarian cancer, familial, susceptibility to, 1 (BROVCA1). Also called: BRCA1 Hereditary Breast and Ovarian Cancer; OVARIAN CANCER, SUSCEPTIBILITY TO. Identifiers: Orphanet 145, MedGen C2676676, MONDO:0011450, OMIM 604370. Disease mechanism: loss of function.

Submission:

Brotman Baty Institute, University of Washington
No classification provided (evidence only). Condition: Breast-ovarian cancer, familial 1. Review status: no classification provided. Collection method: in vitro. Allele origin: not applicable. Functional consequence: functionally_abnormal.
ClinVar note: "not provided" was previously submitted as the classification for the variant. However, the classification appeared to be based only on an observation of functional data so it was converted to no classification on 2025-07-30.

NM_007294.4(BRCA1):c.5152T>A (p.Trp1718Arg)

Gene: BRCA1 (BRCA1 DNA repair associated; minus strand). Cytogenetic location: 17q21.31.
Variant type: single nucleotide variant.
Coding change: c.5152T>A on transcript NM_007294.4 (MANE Select); coding-DNA position 5152, T replaced by A.
Protein change: p.Trp1718Arg; replaces tryptophan 1718 with arginine.
Molecular consequence: missense variant. On other transcripts: non-coding transcript variant (1).
Genome position (GRCh38, 1-based): chr17:43,063,874, A>T on the plus strand (T>A on the coding strand, the complement: BRCA1 is on the minus strand). VCF-style: chr17-43063874-A-T. GRCh37 (hg19) VCF-style: chr17-41215891-A-T.
Other names: c.4939T>A, p.Trp1647Arg (NM_001407571.1, NM_001407907.1, NM_001407908.1 and 12 more transcripts); c.5218T>A, p.Trp1740Arg (NM_001407581.1, NM_001407582.1); c.5215T>A, p.Trp1739Arg (NM_001407583.1, NM_001407585.1, NM_001407587.1 and 1 more transcripts); c.5212T>A, p.Trp1738Arg (NM_001407590.1, NM_001407591.1); c.5152T>A, p.Trp1718Arg (NM_001407593.1, NM_001407594.1, NM_001407596.1 and 7 more transcripts); c.5149T>A, p.Trp1717Arg (NM_001407610.1, NM_001407611.1, NM_001407612.1 and 17 more transcripts); c.5146T>A, p.Trp1716Arg (NM_001407631.1, NM_001407632.1, NM_001407633.1 and 14 more transcripts); c.5074T>A, p.Trp1692Arg (NM_001407654.1, NM_001407655.1, NM_001407653.1); and 71 more; short protein forms W1671R, W1739R, W614R, W1718R, W1717R, W501R, W525R, W527R.
Identifiers: ClinVar variation 865029 (VCV000865029.3), dbSNP rs1567769155, ClinGen allele CA10591243.
Genomic context (GRCh38, chr17:43,063,874, plus strand): 5'-GTGTAAAAATGCAATTCTGAGGTGTTAAAGGGAGGAGGGGAGAAATAGTATTATACTTAC[A>T]GAAATAGCTAACTACCCATTTTCCTCCCGCAATTCCTAGAAAATATTTCAGTGTCCGTTC-3'
Protein context (NP_009225.1, residues 1708-1728): AGGKWVVSYF[Trp1718Arg]VTQSIKERKM